The following is an entry in ClinVar:

ClinVar aggregate classification (germline): Uncertain significance (1 of 4 stars; one submission).

Conditions:
Cardiomyopathy (CMYO). Also called: Cardiomyopathies. Identifiers: Orphanet 167848, MedGen C0878544, MONDO:0004994, HP:0001638. Inheritance: Various modes of inheritance.

gnomAD v4.1: 1 of 1,612,100 alleles (0.000062%); no homozygotes.

Submission:

Color Diagnostics, LLC DBA Color Health
Classification: Uncertain significance for Cardiomyopathy. Last evaluated: 2025-06-23. Review status: criteria provided, single submitter. Criteria: ACMG Guidelines, 2015. Collection method: clinical testing. Allele origin: germline.
Comment: This missense variant replaces methionine with isoleucine at codon 317 of the PRKAG2 protein. Computational prediction suggests that this variant may have deleterious impact on protein structure and function. To our knowledge, functional studies have not been reported for this variant. This variant has not been reported in individuals affected with PRKAG2-related disorders in the literature. This variant has been identified in 1/248600 chromosomes in the general population by the Genome Aggregation Database (gnomAD). The available evidence is insufficient to determine the role of this variant in disease conclusively. Therefore, this variant is classified as a Variant of Uncertain Significance.

NM_016203.4(PRKAG2):c.951G>A (p.Met317Ile)

Gene: PRKAG2 (protein kinase AMP-activated non-catalytic subunit gamma 2; minus strand). Cytogenetic location: 7q36.1.
Variant type: single nucleotide variant.
Coding change: c.951G>A on transcript NM_016203.4 (MANE Select); coding-DNA position 951, G replaced by A.
Protein change: p.Met317Ile; replaces methionine 317 with isoleucine.
Molecular consequence: missense variant.
Genome position (GRCh38, 1-based): chr7:151,574,945, C>T on the plus strand (G>A on the coding strand, the complement: PRKAG2 is on the minus strand). VCF-style: chr7-151574945-C-T. GRCh37 (hg19) VCF-style: chr7-151272031-C-T.
Other names: c.819G>A, p.Met273Ile (NM_001040633.2, NM_001407024.1); c.576G>A, p.Met192Ile (NM_001304527.2, NM_001407029.1); c.228G>A, p.Met76Ile (NM_001304531.2, NM_001407034.1, NM_001407035.1 and 1 more transcripts); c.579G>A, p.Met193Ile (NM_001363698.2, NM_001407028.1); c.951G>A, p.Met317Ile (NM_001407021.1); c.948G>A, p.Met316Ile (NM_001407022.1, NM_001407023.1); c.816G>A, p.Met272Ile (NM_001407026.1, NM_001407027.1); c.663G>A, p.Met221Ile (NM_001407030.1); and 6 more; short protein forms M192I, M193I, M209I, M211I, M220I, M221I, M272I, M273I.
Identifiers: ClinVar variation 4758580 (VCV004758580.1).
Genomic context (GRCh38, chr7:151,574,945, plus strand): 5'-ACTTACCATAGGTGATTTATAGTATCTATGTAGTATATTTATGAAATCTGTAATTGTTAG[C>T]ATTCCTGGAACAAAGAATTACATGTTACAAATAAAACCATGAAAACATTTTTAAAAATTT-3'
Protein context (NP_057287.2, residues 307-327): WESKKQSFVG[Met317Ile]LTITDFINIL